The following is an entry in ClinVar:

ClinVar aggregate classification (germline): Likely pathogenic (1 of 4 stars; one submission).

Conditions:
Duchenne muscular dystrophy (DMD). Also called: Duchenne Muscular Dystrophy (DMD); MUSCULAR DYSTROPHY, PSEUDOHYPERTROPHIC PROGRESSIVE, DUCHENNE TYPE. Identifiers: Orphanet 98896, MedGen C0013264, MONDO:0010679, OMIM 310200.

Submission:

Labcorp Genetics (formerly Invitae), Labcorp
Classification: Likely pathogenic for Duchenne muscular dystrophy. Last evaluated: 2022-11-01. Review status: criteria provided, single submitter. Criteria: Invitae Variant Classification Sherloc (09022015). Collection method: clinical testing. Allele origin: germline.
Comment: This variant results in a copy number gain of the genomic region encompassing exon(s) 45-55 of the DMD gene. While the exact position of this variant cannot be determined from the data, sub-genic copy number gains are generally in tandem (PMID: 25640679). This variant is predicted to be in-frame, and likely preserves the integrity of the reading frame. A similar copy number variant has been observed in individual(s) with clinical features of DMD-related conditions (PMID: 16917894, 30816495, 33644936). In summary, the currently available evidence indicates that the variant is pathogenic, but additional data are needed to prove that conclusively. Therefore, this variant has been classified as Likely Pathogenic.

Literature cited by the submitters: PubMed 25640679; PubMed 16917894; PubMed 30816495; PubMed 33644936.

NC_000023.10:g.(?_31613687)_(31986651_?)dup

Gene: DMD (dystrophin; minus strand). Cytogenetic location: Xp21.1.
Variant type: Duplication.
Identifiers: ClinVar variation 2424859 (VCV002424859.4).